The following is an entry in ClinVar:

ClinVar aggregate classification (germline): Uncertain significance (1 of 4 stars; one submission).

Conditions:
Cardiovascular phenotype. Identifiers: MedGen CN230736.

Submission:

Ambry Genetics
Classification: Uncertain significance for Cardiovascular phenotype. Last evaluated: 2025-05-24. Review status: criteria provided, single submitter. Criteria: Ambry Variant Classification Scheme 2023. Collection method: clinical testing. Allele origin: germline.
Comment: The p.K22Q variant (also known as c.64A>C), located in coding exon 1 of the FHL1 gene, results from an A to C substitution at nucleotide position 64. The lysine at codon 22 is replaced by glutamine, an amino acid with similar properties. This amino acid position is conserved. In addition, the in silico prediction for this alteration is inconclusive. Based on the available evidence, the clinical significance of this variant remains unclear.

NM_001159699.2(FHL1):c.112A>C (p.Lys38Gln)

Gene: FHL1 (four and a half LIM domains 1; plus strand). Cytogenetic location: Xq26.3.
Variant type: single nucleotide variant.
Coding change: c.112A>C on transcript NM_001159699.2 (MANE Select); coding-DNA position 112, A replaced by C.
Protein change: p.Lys38Gln; replaces lysine 38 with glutamine.
Molecular consequence: missense variant. On other transcripts: non-coding transcript variant (1).
Genome position (GRCh38, 1-based): chrX:136,206,496, A>C. VCF-style: chrX-136206496-A-C. GRCh37 (hg19) VCF-style: chrX-135288655-A-C.
Other names: c.64A>C, p.Lys22Gln (NM_001369331.1, NM_001449.5, NM_001159700.2 and 9 more transcripts); c.151A>C, p.Lys51Gln (NM_001159701.2); c.112A>C, p.Lys38Gln (NM_001330659.2); short protein forms K22Q, K38Q, K51Q.
Identifiers: ClinVar variation 4024973 (VCV004024973.1).